The following is an entry in ClinVar:

ClinVar aggregate classification (germline): Conflicting classifications of pathogenicity. Review status: criteria provided, conflicting classifications (1 of 4 stars). 3 submissions from 3 submitters: Uncertain significance (1); Likely benign (2). Last evaluated 2024-05-24.

Conditions:
Pitt-Hopkins-like syndrome 2 (PTHSL2). Identifiers: Orphanet 221150, Orphanet 600663, MedGen C3280479, MONDO:0013690, OMIM 614325.

Allele frequency attached by ClinVar (database versions not stated): gnomAD 0.00001; gnomAD exomes 0.00001; ExAC 0.00002.
gnomAD v4.1: 9 of 1,520,254 alleles (0.00059%); highest among the groups gnomAD compares: Middle Eastern, 0.019%; no homozygotes.

Submissions (3):

Labcorp Genetics (formerly Invitae), Labcorp
Classification: Uncertain significance for Pitt-Hopkins-like syndrome 2. Last evaluated: 2024-05-24. Review status: criteria provided, single submitter. Criteria: Invitae Variant Classification Sherloc (09022015). Collection method: clinical testing. Allele origin: germline.
Comment: This sequence change falls in intron 2 of the NRXN1 gene. It does not directly change the encoded amino acid sequence of the NRXN1 protein. It affects a nucleotide within the consensus splice site. This variant is present in population databases (rs777461875, gnomAD 0.006%). This variant has not been reported in the literature in individuals affected with NRXN1-related conditions. ClinVar contains an entry for this variant (Variation ID: 511783). Variants that disrupt the consensus splice site are a relatively common cause of aberrant splicing (PMID: 17576681, 9536098). Algorithms developed to predict the effect of sequence changes on RNA splicing suggest that this variant is not likely to affect RNA splicing. In summary, the available evidence is currently insufficient to determine the role of this variant in disease. Therefore, it has been classified as a Variant of Uncertain Significance.

Blueprint Genetics
Classification: Likely benign. Last evaluated: 2023-04-26. Review status: criteria provided, single submitter. Criteria: ACMG Guidelines, 2015. Collection method: clinical testing. Allele origin: germline.

GeneDx
Classification: Likely benign. Last evaluated: 2017-08-28. Review status: criteria provided, single submitter. Criteria: GeneDx Variant Classification (06012015). Collection method: clinical testing. Allele origin: germline. Affected: yes.
Comment: This variant is considered likely benign or benign based on one or more of the following criteria: it is a conservative change, it occurs at a poorly conserved position in the protein, it is predicted to be benign by multiple in silico algorithms, and/or has population frequency not consistent with disease.

Literature cited by the submitters: PubMed 17576681 (cited by Labcorp Genetics (formerly Invitae), Labcorp); PubMed 9536098 (cited by Labcorp Genetics (formerly Invitae), Labcorp).

NM_001330078.2(NRXN1):c.772+6G>C

Gene: NRXN1 (neurexin 1; minus strand). Cytogenetic location: 2p16.3.
Variant type: single nucleotide variant.
Coding change: c.772+6G>C on transcript NM_001330078.2 (MANE Select); 6 bases into the intron after coding-DNA position 772, G replaced by C.
Molecular consequence: intron variant.
Genome position (GRCh38, 1-based): chr2:51,027,496, C>G on the plus strand (G>C on the coding strand, the complement: NRXN1 is on the minus strand). VCF-style: chr2-51027496-C-G. GRCh37 (hg19) VCF-style: chr2-51254634-C-G.
Other names: c.772+6G>C (NM_001330096.2, NM_001330087.2, NM_001330083.2 and 15 more transcripts).
Identifiers: ClinVar variation 511783 (VCV000511783.4), dbSNP rs777461875, ClinGen allele CA1655415.